The following is an entry in ClinVar:

NM_014314.4(RIGI):c.1480+5G>T

Gene: RIGI (RNA sensor RIG-I; minus strand). Cytogenetic location: 9p21.1.
Variant type: single nucleotide variant.
Coding change: c.1480+5G>T on transcript NM_014314.4 (MANE Select); 5 bases into the intron after coding-DNA position 1480, G replaced by T.
Molecular consequence: intron variant.
Genome position (GRCh38, 1-based): chr9:32,485,170, C>A on the plus strand (G>T on the coding strand, the complement: RIGI is on the minus strand). VCF-style: chr9-32485170-C-A. GRCh37 (hg19) VCF-style: chr9-32485168-C-A.
Other names: c.871+5G>T (NM_001385912.1); c.1465+5G>T (NM_001385913.1); c.1474+5G>T (NM_001385907.1); c.1480+5G>T (NM_001385909.1); c.1036+5G>T (NM_001385914.1); c.1039+5G>T (NM_001385910.1).
Identifiers: ClinVar variation 2099398 (VCV002099398.4), dbSNP rs774703878, ClinGen allele CA5019793.

ClinVar aggregate classification (germline): Uncertain significance (1 of 4 stars; one submission).

Allele frequency attached by ClinVar (database versions not stated): ExAC 0.00001; gnomAD 0.00001; TOPMed 0.00001.
gnomAD v4.1: 5 of 1,582,602 alleles (0.00032%); highest among the groups gnomAD compares: Non-Finnish European, 0.00043%; no homozygotes.

Submission:

Labcorp Genetics (formerly Invitae), Labcorp
Classification: Uncertain significance. Last evaluated: 2022-04-19. Review status: criteria provided, single submitter. Criteria: Invitae Variant Classification Sherloc (09022015). Collection method: clinical testing. Allele origin: germline.
Comment: In summary, the available evidence is currently insufficient to determine the role of this variant in disease. Therefore, it has been classified as a Variant of Uncertain Significance. Variants that disrupt the consensus splice site are a relatively common cause of aberrant splicing (PMID: 17576681, 9536098). Algorithms developed to predict the effect of sequence changes on RNA splicing suggest that this variant may disrupt the consensus splice site. This variant has not been reported in the literature in individuals affected with DDX58-related conditions. This variant is present in population databases (rs774703878, gnomAD 0.002%). This sequence change falls in intron 10 of the DDX58 gene. It does not directly change the encoded amino acid sequence of the DDX58 protein. It affects a nucleotide within the consensus splice site.

Literature cited by the submitters: PubMed 17576681; PubMed 9536098.